The following is an entry in ClinVar:

NM_201253.3(CRB1):c.2042G>A (p.Cys681Tyr)

Gene: CRB1 (crumbs cell polarity complex component 1; plus strand). Cytogenetic location: 1q31.3.
Variant type: single nucleotide variant.
Coding change: c.2042G>A on transcript NM_201253.3 (MANE Select); coding-DNA position 2042, G replaced by A.
Protein change: p.Cys681Tyr; replaces cysteine 681 with tyrosine.
Molecular consequence: missense variant. On other transcripts: non-coding transcript variant (2).
Genome position (GRCh38, 1-based): chr1:197,421,870, G>A. VCF-style: chr1-197421870-G-A. GRCh37 (hg19) VCF-style: chr1-197391000-G-A.
Other names: c.1706G>A, p.Cys569Tyr (NM_001193640.2); c.1835G>A, p.Cys612Tyr (NM_001257965.2); c.2042G>A, p.Cys681Tyr (NM_001257966.2); short protein forms C681Y, C569Y, C612Y.
Identifiers: ClinVar variation 99874 (VCV000099874.57), dbSNP rs62636266, ClinGen allele CA228000.

ClinVar aggregate classification (germline): Pathogenic/Likely pathogenic. Review status: criteria provided, multiple submitters, no conflicts (2 of 4 stars). 12 submissions from 11 submitters: Pathogenic (9); Likely pathogenic (1). 2 of the submissions do not count toward it. Last evaluated 2026-05-07.

Conditions:
CRB1-related disorder. Also called: CRB1-related condition; CRB1-related disorders.
Retinal dystrophy. Also called: Inherited retinal dystrophy. Identifiers: Orphanet 71862, MedGen C0854723, MeSH D058499, MONDO:0019118, HP:0000556.
Leber congenital amaurosis 8 (LCA8). Identifiers: Orphanet 65, MedGen C3151202, MONDO:0013453, OMIM 613835.
Retinitis pigmentosa 12 (RP12). Also called: RP WITH OR WITHOUT PPRPE; RP WITH OR WITHOUT PRESERVED PARAARTERIOLE RETINAL PIGMENT EPITHELIUM; RETINITIS PIGMENTOSA WITH OR WITHOUT PARAARTERIOLAR PRESERVATION OF RETINAL PIGMENT EPITHELIUM. Identifiers: Orphanet 791, MedGen C1838647, MONDO:0010818, OMIM 600105.
Leber congenital amaurosis (LCA). Also called: Leber's amaurosis. Identifiers: Orphanet 65, MedGen C0339527, MeSH D057130, MONDO:0018998.

Allele frequency attached by ClinVar (database versions not stated): gnomAD exomes below 0.00001 and 0.00002; ExAC 0.00001; ESP Exome Variant Server 0.00008.
gnomAD v4.1: 11 of 1,614,220 alleles (0.00068%); highest among the groups gnomAD compares: South Asian, 0.0011%; no homozygotes.

Submissions (12):

PreventionGenetics, part of Exact Sciences
Classification: Pathogenic for CRB1-related condition. Last evaluated: 2026-05-07. Review status: criteria provided, single submitter. Criteria: ACMG Guidelines, 2015. Collection method: clinical testing. Allele origin: germline.
Comment: The CRB1 c.2042G>A variant is predicted to result in the amino acid substitution p.Cys681Tyr. This variant has been reported in the compound heterozygous state or along with a second causative CRB1 variant in at least six individuals, five with Leber congenital amaurosis (LCA) (Galvin et al. 2005. PubMed ID: 16205573, Weisschuh et al. 2018. PubMed ID: 30576320; Skorczyk-Werner et al. 2022. PubMed ID: 36369640) and in one individual with early-onset retinal dystrophy (Sallum et al. 2020. PubMed ID: 32865313). An alternate missense change at the same amino acid position (p.Cys681Trp) has been reported in the compound heterozygous state in an individual with Fundus albipunctatus (Table S7, Consuga et al. 2015. PubMed ID: 25412400). This variant is present in 0.00088% of alleles in individuals of European (non-Finnish) descent in gnomAD. This variant is interpreted as pathogenic for autosomal recessive disease.

Labcorp Genetics (formerly Invitae), Labcorp
Classification: Pathogenic for Leber congenital amaurosis 8; Retinitis pigmentosa 12. Last evaluated: 2025-09-15. Review status: criteria provided, single submitter. Criteria: Invitae Variant Classification Sherloc (09022015). Collection method: clinical testing. Allele origin: germline.
Comment: This sequence change replaces cysteine, which is neutral and slightly polar, with tyrosine, which is neutral and polar, at codon 681 of the CRB1 protein (p.Cys681Tyr). This variant is present in population databases (rs62636266, gnomAD 0.0009%). This missense change has been observed in individual(s) with CRB1-related conditions (PMID: 17525851, 24265693, 30576320, 32865313). In at least one individual the data is consistent with being in trans (on the opposite chromosome) from a pathogenic variant. ClinVar contains an entry for this variant (Variation ID: 99874). Invitae Evidence Modeling of protein sequence and biophysical properties (such as structural, functional, and spatial information, amino acid conservation, physicochemical variation, residue mobility, and thermodynamic stability) has been performed for this missense variant. However, the output from this modeling did not meet the statistical confidence thresholds required to predict the impact of this variant on CRB1 protein function. For these reasons, this variant has been classified as Pathogenic.

Women's Health and Genetics/Laboratory Corporation of America, LabCorp
Classification: Pathogenic for Retinal dystrophy. Last evaluated: 2025-02-26. Review status: criteria provided, single submitter. Criteria: LabCorp Variant Classification Summary - May 2015. Collection method: clinical testing. Allele origin: germline.
Comment: Variant summary: CRB1 c.2042G>A (p.Cys681Tyr) results in a non-conservative amino acid change in the encoded protein sequence. Five of five in-silico tools predict a damaging effect of the variant on protein function. The variant allele was found at a frequency of 4e-06 in 251086 control chromosomes. c.2042G>A has been reported in the literature in multiple individuals affected with Leber congenital amaurosis (examples: Lotery_2001, Preising_2007, Eisenberger_2013, Weisschuh_2018, Sallum_2020, Skorczyk-Werner_2022). These data indicate that the variant is very likely to be associated with disease. The following publications have been ascertained in the context of this evaluation (PMID: 17525851, 30576320, 24265693, 32865313, 11231775, 36369640). ClinVar contains an entry for this variant (Variation ID: 99874). Based on the evidence outlined above, the variant was classified as pathogenic.

Blueprint Genetics
Classification: Pathogenic for CRB1-related disorders. Last evaluated: 2024-06-05. Review status: criteria provided, single submitter. Criteria: ACMG Guidelines, 2015. Collection method: clinical testing. Allele origin: germline. Affected: yes. Observed: 5 variant alleles.

Baylor Genetics
Classification: Pathogenic for Leber congenital amaurosis 8. Last evaluated: 2023-06-29. Review status: criteria provided, single submitter. Criteria: ACMG Guidelines, 2015. Collection method: clinical testing. Allele origin: unknown.

Genome-Nilou Lab
Classification: Pathogenic for Leber congenital amaurosis 8. Last evaluated: 2023-04-11. Review status: criteria provided, single submitter. Criteria: ACMG Guidelines, 2015. Collection method: clinical testing. Allele origin: germline. Affected: no.

Genome-Nilou Lab
Classification: Pathogenic for Retinitis pigmentosa 12. Last evaluated: 2023-04-11. Review status: criteria provided, single submitter. Criteria: ACMG Guidelines, 2015. Collection method: clinical testing. Allele origin: germline. Affected: no.

Institute of Medical Genetics and Applied Genomics, University Hospital Tübingen
Classification: Pathogenic. Last evaluated: 2021-09-15. Review status: criteria provided, single submitter. Criteria: ACMG Guidelines, 2015. Collection method: clinical testing. Allele origin: germline. Inheritance: Autosomal recessive inheritance. Affected: yes.

Institute of Human Genetics, Univ. Regensburg, Univ. Regensburg
Classification: Likely pathogenic for Retinal dystrophy. Last evaluated: 2020-01-01. Review status: criteria provided, single submitter. Criteria: ACMG Guidelines, 2015. Collection method: clinical testing. Allele origin: germline. Affected: yes.

CeGaT Center for Human Genetics Tuebingen
Classification: Pathogenic. Last evaluated: 2017-03-01. Review status: criteria provided, single submitter. Criteria: CeGaT Center For Human Genetics Tuebingen Variant Classification Criteria Version 2. Collection method: clinical testing. Allele origin: germline. Affected: yes. Observed: 1 variant allele.

Natera, Inc.
Classification: Likely pathogenic for Leber congenital amaurosis. Last evaluated: 2020-11-04. Review status: no assertion criteria provided. Collection method: clinical testing. Allele origin: germline. Not counted in ClinVar's aggregate classification.

Retina International
No classification provided. Review status: no classification provided. Collection method: not provided. Allele origin: not provided. Not counted in ClinVar's aggregate classification.

Literature cited by the submitters: PubMed 17525851 (cited by Labcorp Genetics (formerly Invitae), Labcorp and Women's Health and Genetics/Laboratory Corporation of America, LabCorp); PubMed 24265693 (cited by 3 submitters); PubMed 30576320 (cited by 3 submitters); PubMed 32865313 (cited by 3 submitters); PubMed 11231775 (cited by Women's Health and Genetics/Laboratory Corporation of America, LabCorp and Institute of Human Genetics, Univ. Regensburg, Univ. Regensburg); PubMed 36369640 (cited by Women's Health and Genetics/Laboratory Corporation of America, LabCorp and Institute of Human Genetics, Univ. Regensburg, Univ. Regensburg); PubMed 31964843 (cited by Institute of Human Genetics, Univ. Regensburg, Univ. Regensburg); PubMed 31816670 (cited by Institute of Human Genetics, Univ. Regensburg, Univ. Regensburg).